The following is an entry in ClinVar:

ClinVar aggregate classification (germline): Conflicting classifications of pathogenicity. Review status: criteria provided, conflicting classifications (1 of 4 stars). 3 submissions from 3 submitters: Uncertain significance (2); Likely benign (1). Last evaluated 2025-04-21.

Conditions:
Infantile neuroaxonal dystrophy (NBIA2A). Also called: SEITELBERGER DISEASE; NEURODEGENERATION WITH BRAIN IRON ACCUMULATION 2A; Infantile neuroaxonal dystrophy 1. Identifiers: Orphanet 35069, MedGen C0270724, MONDO:0024457, OMIM 256600.
PLA2G6-associated neurodegeneration (PLAN). Also called: phospholipase A2-associated neurodegeneration. Identifiers: Orphanet 329303, MedGen CN204472, MONDO:0017998.
Inborn genetic diseases. Identifiers: MedGen C0950123, MeSH D030342.

Allele frequency attached by ClinVar (database versions not stated): gnomAD 0.00001; gnomAD exomes 0.00002 and 0.00003; ExAC 0.00001; TOPMed 0.00002.
gnomAD v4.1: 45 of 1,614,032 alleles (0.0028%); highest among the groups gnomAD compares: Non-Finnish European, 0.0035%; no homozygotes.

Submissions (3):

Ambry Genetics
Classification: Likely benign for Inborn genetic diseases. Last evaluated: 2025-04-21. Review status: criteria provided, single submitter. Criteria: Ambry Variant Classification Scheme 2023. Collection method: clinical testing. Allele origin: germline.

Labcorp Genetics (formerly Invitae), Labcorp
Classification: Uncertain significance for Infantile neuroaxonal dystrophy. Last evaluated: 2022-08-15. Review status: criteria provided, single submitter. Criteria: Invitae Variant Classification Sherloc (09022015). Collection method: clinical testing. Allele origin: germline.
Comment: This sequence change replaces asparagine, which is neutral and polar, with serine, which is neutral and polar, at codon 52 of the PLA2G6 protein (p.Asn52Ser). This variant is present in population databases (rs772131195, gnomAD 0.003%). This variant has not been reported in the literature in individuals affected with PLA2G6-related conditions. ClinVar contains an entry for this variant (Variation ID: 899868). Advanced modeling of protein sequence and biophysical properties (such as structural, functional, and spatial information, amino acid conservation, physicochemical variation, residue mobility, and thermodynamic stability) performed at Invitae indicates that this missense variant is not expected to disrupt PLA2G6 protein function. In summary, the available evidence is currently insufficient to determine the role of this variant in disease. Therefore, it has been classified as a Variant of Uncertain Significance.

Illumina Laboratory Services, Illumina
Classification: Uncertain significance for PLA2G6-associated neurodegeneration. Last evaluated: 2017-04-27. Review status: criteria provided, single submitter. Criteria: ICSL Variant Classification Criteria 13 December 2019. Collection method: clinical testing. Allele origin: germline.

NM_003560.4(PLA2G6):c.155A>G (p.Asn52Ser)

Gene: PLA2G6 (phospholipase A2 group VI; minus strand). Cytogenetic location: 22q13.1.
Variant type: single nucleotide variant.
Coding change: c.155A>G on transcript NM_003560.4 (MANE Select); coding-DNA position 155, A replaced by G.
Protein change: p.Asn52Ser; replaces asparagine 52 with serine.
Molecular consequence: missense variant. On other transcripts: 5 prime UTR variant (3).
Genome position (GRCh38, 1-based): chr22:38,169,272, T>C on the plus strand (A>G on the coding strand, the complement: PLA2G6 is on the minus strand). VCF-style: chr22-38169272-T-C. GRCh37 (hg19) VCF-style: chr22-38565279-T-C.
Other names: c.155A>G, p.Asn52Ser (NM_001004426.3, NM_001199562.3, NM_001349864.2 and 2 more transcripts); c.-511A>G (NM_001349867.2, NM_001349869.2); c.-336A>G (NM_001349868.2); short protein forms N52S.
Identifiers: ClinVar variation 899868 (VCV000899868.9), dbSNP rs772131195, ClinGen allele CA10231364.